The following is an entry in ClinVar:

NM_001927.4(DES):c.1049G>A (p.Arg350Gln)

Gene: DES (desmin; plus strand). Cytogenetic location: 2q35.
Variant type: single nucleotide variant.
Coding change: c.1049G>A on transcript NM_001927.4 (MANE Select); coding-DNA position 1049, G replaced by A.
Protein change: p.Arg350Gln; replaces arginine 350 with glutamine.
Molecular consequence: missense variant.
Genome position (GRCh38, 1-based): chr2:219,421,365, G>A. VCF-style: chr2-219421365-G-A. GRCh37 (hg19) VCF-style: chr2-220286087-G-A.
Other names: short protein forms R350Q.
Identifiers: ClinVar variation 596421 (VCV000596421.23), dbSNP rs57965306, ClinGen allele CA2125230.
Genomic context (GRCh38, chr2:219,421,365, plus strand): 5'-TCCCTTCCTTGACCTGGGTTCCCCCTCTCCTGCAGAACGATTCCCTGATGAGGCAGATGC[G>A]GGAATTGGAGGACCGATTTGCCAGTGAGGCCAGTGGCTACCAGGACAACATTGCGCGCCT-3'
Protein context (NP_001918.3, residues 340-360): GTNDSLMRQM[Arg350Gln]ELEDRFASEA

ClinVar aggregate classification (germline): Uncertain significance. Review status: criteria provided, multiple submitters, no conflicts (2 of 4 stars). 7 submissions from 7 submitters: Uncertain significance (7). Last evaluated 2026-07-24.

Conditions:
Desmin-related myofibrillar myopathy (MFM1). Also called: MYOFIBRILLAR MYOPATHY WITH ARRHYTHMOGENIC RIGHT VENTRICULAR CARDIOMYOPATHY; DESMIN-RELATED MYOPATHY WITH ARRHYTHMOGENIC RIGHT VENTRICULAR CARDIOMYOPATHY; Desminopathy; Desmin related myopathy (former name); Desmin storage myopathy (former name); Myofibrillar myopathy 1. Identifiers: Orphanet 363543, Orphanet 98909, MedGen C1832370, MONDO:0011076, OMIM 601419.
Neurogenic scapuloperoneal syndrome, Kaeser type (SCPNK). Also called: KAESER SYNDROME. Identifiers: Orphanet 85146, MedGen C1867005, MONDO:0008407, OMIM 181400.
Dilated cardiomyopathy 1I (CMD1I). Identifiers: Orphanet 154, MedGen C1858154, MONDO:0011482, OMIM 604765.
DES-related disorder. Also called: DES-related condition.
Cardiovascular phenotype. Identifiers: MedGen CN230736.

Allele frequency attached by ClinVar (database versions not stated): gnomAD 0.00002; ExAC 0.00003; gnomAD exomes 0.00003 and 0.00004; TOPMed 0.00003.
gnomAD v4.1: 65 of 1,613,984 alleles (0.004%); highest among the groups gnomAD compares: Non-Finnish European, 0.0052%; no homozygotes.

Submissions (7):

PreventionGenetics, part of Exact Sciences
Classification: Uncertain significance for DES-related condition. Last evaluated: 2026-07-24. Review status: criteria provided, single submitter. Criteria: ACMG Guidelines, 2015. Collection method: clinical testing. Allele origin: germline.
Comment: The DES c.1049G>A variant is predicted to result in the amino acid substitution p.Arg350Gln. This variant has been reported in an individual with centronuclear myopathy (Table S1, Wu et al. 2018. PubMed ID: 29382405). This variant was also reported in a case of sudden unexplained death with autopsy findings consistent with hypertrophic cardiomyopathy (Shanks et al. 2018. PubMed ID: 29915097). This variant is reported in 0.0053% of alleles in individuals of European (Non-Finnish) descent in gnomAD. Alternate nucleotide changes affecting the same amino acid (p.Arg350Trp and p.Arg350Pro) have been reported in individuals with DES-associated disorders (Bar et al. 2005. PubMed ID: 15800015; Taylor et al. 2007. PubMed ID: 17325244). At this time, the clinical significance of the c.1049G>A (p.Arg350Gln) variant is uncertain due to the absence of conclusive functional and genetic evidence.

Labcorp Genetics (formerly Invitae), Labcorp
Classification: Uncertain significance for Desmin-related myofibrillar myopathy. Last evaluated: 2025-12-31. Review status: criteria provided, single submitter. Criteria: Invitae Variant Classification Sherloc (09022015). Collection method: clinical testing. Allele origin: germline.
Comment: This sequence change replaces arginine, which is basic and polar, with glutamine, which is neutral and polar, at codon 350 of the DES protein (p.Arg350Gln). This variant is present in population databases (rs57965306, gnomAD 0.005%). This missense change has been observed in individual(s) with centronuclear myopathy and/or suffered a sudden unexplained death (PMID: 29382405, 29915097). ClinVar contains an entry for this variant (Variation ID: 596421). Invitae Evidence Modeling of protein sequence and biophysical properties (such as structural, functional, and spatial information, amino acid conservation, physicochemical variation, residue mobility, and thermodynamic stability) has been performed for this missense variant. However, the output from this modeling did not meet the statistical confidence thresholds required to predict the impact of this variant on DES protein function. This variant disrupts the p.Arg350 amino acid residue in DES. Other variant(s) that disrupt this residue have been determined to be pathogenic (PMID: 15800015, 17439987, 20448486, 25394388, 27393313). This suggests that this residue is clinically significant, and that variants that disrupt this residue are likely to be disease-causing. In summary, the available evidence is currently insufficient to determine the role of this variant in disease. Therefore, it has been classified as a Variant of Uncertain Significance.

Ambry Genetics
Classification: Uncertain significance for Cardiovascular phenotype. Last evaluated: 2025-05-06. Review status: criteria provided, single submitter. Criteria: Ambry Variant Classification Scheme 2023. Collection method: clinical testing. Allele origin: germline.
Comment: The p.R350Q variant (also known as c.1049G>A), located in coding exon 6 of the DES gene, results from a G to A substitution at nucleotide position 1049. The arginine at codon 350 is replaced by glutamine, an amino acid with highly similar properties. This alteration has been reported in a sudden unexplained death cohort in an individual with an additional alteration in a different cardiac-related gene (Shanks GW et al. Circulation, 2018 06;137:2705-2715). Additionally, this alteration has been reported in an individual with proximal muscle weakness and centronuclear myopathy identified on biopsy (Wu L et al. Can J Neurol Sci, 2018 05;45:262-268). This amino acid position is highly conserved in available vertebrate species. In addition, this alteration is predicted to be deleterious by in silico analysis. Since supporting evidence is limited at this time, the clinical significance of this alteration remains unclear.

Revvity Omics, Revvity
Classification: Uncertain significance. Last evaluated: 2024-09-08. Review status: criteria provided, single submitter. Criteria: ACMG Guidelines, 2015. Collection method: clinical testing. Allele origin: germline.

GeneDx
Classification: Uncertain significance. Last evaluated: 2024-01-10. Review status: criteria provided, single submitter. Criteria: GeneDx Variant Classification Process June 2021. Collection method: clinical testing. Allele origin: germline. Affected: yes.
Comment: Reported in a patient with sudden unexplained death during sleep, who was found to have an enlarged heart and left ventricular hypertrophy on autopsy; this individual also harbored a variant in the RYR2 gene, but segregation analysis was not provided (PMID: 29915097); In silico analysis supports that this missense variant has a deleterious effect on protein structure/function; Identified in a patient with adult-onset proximal muscle weakness, myosclerosis, elevated CK, and centronuclear myopathy (PMID: 29382405); This variant is associated with the following publications: (PMID: 26807690, 29915097, 29382405)

Fulgent Genetics
Classification: Uncertain significance for Neurogenic scapuloperoneal syndrome, Kaeser type; Desmin-related myofibrillar myopathy; Dilated cardiomyopathy 1I. Last evaluated: 2021-08-19. Review status: criteria provided, single submitter. Criteria: ACMG Guidelines, 2015. Collection method: clinical testing. Allele origin: unknown.

Eurofins Ntd Llc (ga)
Classification: Uncertain significance. Last evaluated: 2018-03-16. Review status: criteria provided, single submitter. Criteria: EGL ClinVar v180209 classification definitions. Collection method: clinical testing. Allele origin: germline. Observed: 1 variant allele, 1 heterozygote.

Literature cited by the submitters: PubMed 29382405 (cited by Labcorp Genetics (formerly Invitae), Labcorp and Ambry Genetics); PubMed 29915097 (cited by Labcorp Genetics (formerly Invitae), Labcorp and Ambry Genetics); PubMed 15800015 (cited by Labcorp Genetics (formerly Invitae), Labcorp); PubMed 17439987 (cited by Labcorp Genetics (formerly Invitae), Labcorp); PubMed 20448486 (cited by Labcorp Genetics (formerly Invitae), Labcorp); PubMed 25394388 (cited by Labcorp Genetics (formerly Invitae), Labcorp); PubMed 27393313 (cited by Labcorp Genetics (formerly Invitae), Labcorp).